The following is an entry in ClinVar:

NM_173598.6(KSR2):c.795C>T (p.Pro265=)

Gene: KSR2 (kinase suppressor of ras 2; minus strand). Cytogenetic location: 12q24.23.
Variant type: single nucleotide variant.
Coding change: c.795C>T on transcript NM_173598.6 (MANE Select); coding-DNA position 795, C replaced by T.
Protein change: p.Pro265=; no amino-acid change (proline 265 retained).
Molecular consequence: synonymous variant.
Genome position (GRCh38, 1-based): chr12:117,761,202, G>A on the plus strand (C>T on the coding strand, the complement: KSR2 is on the minus strand). VCF-style: chr12-117761202-G-A. GRCh37 (hg19) VCF-style: chr12-118199007-G-A.
Identifiers: ClinVar variation 3031518 (VCV003031518.2), dbSNP rs564049336, ClinGen allele CA6816250.
Genomic context (GRCh38, chr12:117,761,202, plus strand): 5'-CAGCTTGTTCTTCTTCCTCATGGGCGGCGTGCCCGGCGGGGTCACGGTGGTGACGATGTT[G>A]GGGGTGCGCGGCGGGGTGCGGACCGCGTGCCGCTGCCGGGGCGATGGGGGCAGGGAACGG-3'
Protein context (NP_775869.4, residues 255-275): RHAVRTPPRT[Pro265=]NIVTTVTPPG

ClinVar aggregate classification (germline): Likely benign (0 of 4 stars; one submission).

Conditions:
KSR2-related disorder. Also called: KSR2-related condition.

gnomAD v4.1: 8 of 1,578,112 alleles (0.00051%); highest among the groups gnomAD compares: African/African-American, 0.0054%; no homozygotes.

Submission:

PreventionGenetics, part of Exact Sciences
Classification: Likely benign for KSR2-related condition. Last evaluated: 2023-01-06. Review status: no assertion criteria provided. Collection method: clinical testing. Allele origin: germline.
Comment: This variant is classified as likely benign based on ACMG/AMP sequence variant interpretation guidelines (Richards et al. 2015 PMID: 25741868, with internal and published modifications).